The following is an entry in ClinVar:

NM_000548.5(TSC2):c.976-1G>A

Gene: TSC2 (TSC complex subunit 2; plus strand). Cytogenetic location: 16p13.3.
Variant type: single nucleotide variant.
Coding change: c.976-1G>A on transcript NM_000548.5 (MANE Select); the canonical splice acceptor site of the intron before coding-DNA position 976, G replaced by A.
Molecular consequence: splice acceptor variant.
Genome position (GRCh38, 1-based): chr16:2,060,669, G>A. VCF-style: chr16-2060669-G-A. GRCh37 (hg19) VCF-style: chr16-2110670-G-A.
Other names: c.-456-1G>A (NM_001406693.1, NM_001406689.1, NM_001406690.1 and 4 more transcripts); c.1066-1G>A (NM_001406667.1, NM_001406668.1); c.376-1G>A (NM_001406680.1, NM_001406683.1, NM_001406687.1 and 6 more transcripts); c.-632-1G>A (NM_001406698.1); c.976-1G>A (NM_001114382.3, NM_001406663.1, NM_001406664.1 and 6 more transcripts); c.-337-1G>A (NM_001406694.1, NM_001406695.1); c.964-1G>A (NM_001406671.1, NM_001406673.1); c.514-1G>A (NM_001406681.1); and 4 more.
Identifiers: ClinVar variation 49397 (VCV000049397.8), dbSNP rs45451199, ClinGen allele CA023222.

ClinVar aggregate classification (germline): Pathogenic. Review status: criteria provided, single submitter (1 of 4 stars). 2 submissions from 2 submitters: Pathogenic (1). 1 of the submissions does not count toward it. Last evaluated 2024-09-12.

Conditions:
Tuberous sclerosis 2 (TSC2). Identifiers: Orphanet 805, MedGen C1860707, MONDO:0013199, OMIM 613254.
Tuberous sclerosis syndrome (TSC). Also called: Tuberous Sclerosis Complex; Tuberous sclerosis. Identifiers: Orphanet 805, MedGen C0041341, MONDO:0001734.

Submissions (2):

Labcorp Genetics (formerly Invitae), Labcorp
Classification: Pathogenic for Tuberous sclerosis 2. Last evaluated: 2024-09-12. Review status: criteria provided, single submitter. Criteria: Invitae Variant Classification Sherloc (09022015). Collection method: clinical testing. Allele origin: germline.
Comment: This sequence change affects an acceptor splice site in intron 10 of the TSC2 gene. It is expected to disrupt RNA splicing. Variants that disrupt the donor or acceptor splice site typically lead to a loss of protein function (PMID: 16199547), and loss-of-function variants in TSC2 are known to be pathogenic (PMID: 10205261, 17304050). This variant is not present in population databases (gnomAD no frequency). Disruption of this splice site has been observed in individuals with tuberous sclerosis complex (PMID: 9829910, 15798777, 21520333). ClinVar contains an entry for this variant (Variation ID: 49397). Algorithms developed to predict the effect of sequence changes on RNA splicing suggest that this variant may disrupt the consensus splice site. For these reasons, this variant has been classified as Pathogenic.

Tuberous sclerosis database (TSC2)
No classification provided. Condition: TSC. Review status: no classification provided. Criteria: Tuberous Sclerosis Database Assertion Criteria 2015. Collection method: curation. Allele origin: germline. Affected: yes. Not counted in ClinVar's aggregate classification.

Literature cited by the submitters: PubMed 16199547 (cited by Labcorp Genetics (formerly Invitae), Labcorp); PubMed 10205261 (cited by Labcorp Genetics (formerly Invitae), Labcorp); PubMed 17304050 (cited by Labcorp Genetics (formerly Invitae), Labcorp); PubMed 9829910 (cited by Labcorp Genetics (formerly Invitae), Labcorp); PubMed 15798777 (cited by Labcorp Genetics (formerly Invitae), Labcorp); PubMed 21520333 (cited by Labcorp Genetics (formerly Invitae), Labcorp).